The following is an entry in ClinVar:

ClinVar aggregate classification (germline): Uncertain significance (1 of 4 stars; one submission).

Conditions:
Bethlem myopathy 1A. Also called: Bethlem myopathy 1; Bethlem Muscular Dystrophy; MYOPATHY, BENIGN CONGENITAL, WITH CONTRACTURES. Identifiers: Orphanet 610, MedGen CN029274, MONDO:0024530, OMIM 158810.

Submission:

Labcorp Genetics (formerly Invitae), Labcorp
Classification: Uncertain significance for Bethlem myopathy 1A. Last evaluated: 2020-10-30. Review status: criteria provided, single submitter. Criteria: Invitae Variant Classification Sherloc (09022015). Collection method: clinical testing. Allele origin: germline.
Comment: In summary, the available evidence is currently insufficient to determine the role of this variant in disease. Therefore, it has been classified as a Variant of Uncertain Significance. Algorithms developed to predict the effect of missense changes on protein structure and function are either unavailable or do not agree on the potential impact of this missense change (SIFT: "Not Available"; PolyPhen-2: "Probably Damaging"; Align-GVGD: "Not Available"). This variant has not been reported in the literature in individuals with COL6A3-related conditions. The frequency data for this variant in the population databases is not available, as this variant may be reported as separate entries in the ExAC database. This sequence change replaces alanine with isoleucine at codon 368 of the COL6A3 protein (p.Ala368Ile). The alanine residue is moderately conserved and there is a moderate physicochemical difference between alanine and isoleucine.

NM_004369.4(COL6A3):c.1102_1103delinsAT (p.Ala368Ile)

Gene: COL6A3 (collagen type VI alpha 3 chain; minus strand). Cytogenetic location: 2q37.3.
Variant type: Indel.
Coding change: c.1102_1103delinsAT on transcript NM_004369.4 (MANE Select); coding-DNA positions 1102 to 1103, GC replaced by AT.
Protein change: p.Ala368Ile; replaces alanine 368 with isoleucine.
Molecular consequence: missense variant. On other transcripts: intron variant (2).
Genome position (GRCh38, 1-based): chr2:237,387,791-237,387,792, GC replaced by AT on the plus strand (GC replaced by AT on the coding strand, the reverse complement: COL6A3 is on the minus strand). VCF-style: chr2-237387791-GC-AT. GRCh37 (hg19) VCF-style: chr2-238296434-GC-AT.
Other names: c.484_485delinsAT, p.Ala162Ile (NM_057165.5, NM_057167.4); c.92-6293_92-6292delinsAT (NM_057166.5, NM_057164.5); short protein forms A368I, A162I.
Identifiers: ClinVar variation 1469848 (VCV001469848.6), dbSNP rs2106378544, ClinGen allele CA2573135584.